The following is an entry in ClinVar:

NM_004928.3(CFAP410):c.335_346del (p.Leu112_Leu115del)

Gene: CFAP410 (cilia and flagella associated protein 410; minus strand). Cytogenetic location: 21q22.3.
Variant type: Deletion.
Coding change: c.335_346del on transcript NM_004928.3 (MANE Select); coding-DNA positions 335 to 346, 12 bases deleted (TGCGCACCCTGC).
Protein change: p.Leu112_Leu115del.
Molecular consequence: inframe deletion.
Genome position (GRCh38, 1-based): chr21:44,333,060-44,333,071, GCAGGGTGCGCA deleted on the plus strand (TGCGCACCCTGC on the coding strand, the reverse complement: CFAP410 is on the minus strand); deleting any 12 consecutive bases within chr21:44,333,060-44,333,074 gives the same sequence; the c. name uses the placement nearest the transcript's 3' end. VCF-style (leftmost placement, unchanged base first): chr21-44333059-GGCAGGGTGCGCA-G. GRCh37 (hg19) VCF-style: chr21-45752942-GGCAGGGTGCGCA-G.
Other names: c.335_346del, p.Leu112_Leu115del (NM_001271440.2, NM_001271441.2); c.212_223del, p.Leu71_Leu74del (NM_001271442.1).
Identifiers: ClinVar variation 425277 (VCV000425277.49), dbSNP rs769039082, ClinGen allele CA10053717.

ClinVar aggregate classification (germline): Conflicting classifications of pathogenicity. Review status: criteria provided, conflicting classifications (1 of 4 stars). 3 submissions from 3 submitters: Pathogenic (1); Uncertain significance (2). Last evaluated 2022-08-10.

Conditions:
Retinitis pigmentosa (RP). Identifiers: Orphanet 791, MedGen C0035334, MeSH D012174, MONDO:0019200, OMIM 268000. Inheritance: Autosomal dominant, autosomal recessive and X linked inheritance.

Submissions (3):

Labcorp Genetics (formerly Invitae), Labcorp
Classification: Uncertain significance. Last evaluated: 2022-08-10. Review status: criteria provided, single submitter. Criteria: Invitae Variant Classification Sherloc (09022015). Collection method: clinical testing. Allele origin: germline.
Comment: In summary, the available evidence is currently insufficient to determine the role of this variant in disease. Therefore, it has been classified as a Variant of Uncertain Significance. Experimental studies and prediction algorithms are not available or were not evaluated, and the functional significance of this variant is currently unknown. ClinVar contains an entry for this variant (Variation ID: 425277). This variant has not been reported in the literature in individuals affected with CFAP410-related conditions. This variant is present in population databases (rs769039082, gnomAD 0.01%). This variant, c.335_346del, results in the deletion of 4 amino acid(s) of the CFAP410 protein (p.Leu112_Leu115del), but otherwise preserves the integrity of the reading frame.

Molecular Genetics Laboratory, Institute for Ophthalmic Research
Classification: Pathogenic for Retinitis pigmentosa. Last evaluated: 2020-01-09. Review status: criteria provided, single submitter. Criteria: ACMG Guidelines, 2015. Collection method: research. Allele origin: germline. Affected: yes.

CeGaT Center for Human Genetics Tuebingen
Classification: Uncertain significance. Last evaluated: 2016-12-01. Review status: criteria provided, single submitter. Criteria: CeGaT Center For Human Genetics Tuebingen Variant Classification Criteria Version 2. Collection method: clinical testing. Allele origin: germline. Affected: yes. Observed: 1 variant allele.